The following is an entry in ClinVar:

ClinVar aggregate classification (germline): Uncertain significance (1 of 4 stars; one submission).

Conditions:
Holoprosencephaly 3 (HPE3). Identifiers: Orphanet 2162, MedGen C1840529, MONDO:0007733, OMIM 142945.

gnomAD v4.1: 32 of 1,540,080 alleles (0.0021%); highest among the groups gnomAD compares: Non-Finnish European, 0.0028%; no homozygotes.

Submission:

Labcorp Genetics (formerly Invitae), Labcorp
Classification: Uncertain significance for Holoprosencephaly 3. Last evaluated: 2024-11-04. Review status: criteria provided, single submitter. Criteria: Invitae Variant Classification Sherloc (09022015). Collection method: clinical testing. Allele origin: germline.
Comment: This sequence change replaces glycine, which is neutral and non-polar, with tryptophan, which is neutral and slightly polar, at codon 283 of the SHH protein (p.Gly283Trp). This variant is not present in population databases (gnomAD no frequency). This variant has not been reported in the literature in individuals affected with SHH-related conditions. ClinVar contains an entry for this variant (Variation ID: 2779817). An algorithm developed to predict the effect of missense changes on protein structure and function outputs the following: PolyPhen-2: "Benign". The tryptophan amino acid residue is found in multiple mammalian species, which suggests that this missense change does not adversely affect protein function. In summary, the available evidence is currently insufficient to determine the role of this variant in disease. Therefore, it has been classified as a Variant of Uncertain Significance.

NM_000193.4(SHH):c.847G>T (p.Gly283Trp)

Gene: SHH (sonic hedgehog signaling molecule; minus strand). Cytogenetic location: 7q36.3.
Variant type: single nucleotide variant.
Coding change: c.847G>T on transcript NM_000193.4 (MANE Select); coding-DNA position 847, G replaced by T.
Protein change: p.Gly283Trp; replaces glycine 283 with tryptophan.
Molecular consequence: missense variant. On other transcripts: intron variant (1).
Genome position (GRCh38, 1-based): chr7:155,803,442, C>A on the plus strand (G>T on the coding strand, the complement: SHH is on the minus strand). VCF-style: chr7-155803442-C-A. GRCh37 (hg19) VCF-style: chr7-155596136-C-A.
Other names: c.301+2854G>T (NM_001310462.2); short protein forms G283W.
Identifiers: ClinVar variation 2779817 (VCV002779817.3), dbSNP rs921945144, ClinGen allele CA370145943.